The following is an entry in ClinVar:

NM_005121.3(MED13):c.3656A>G (p.Asn1219Ser)

Gene: MED13 (mediator complex subunit 13; minus strand). Cytogenetic location: 17q23.2.
Variant type: single nucleotide variant.
Coding change: c.3656A>G on transcript NM_005121.3 (MANE Select); coding-DNA position 3656, A replaced by G.
Protein change: p.Asn1219Ser; replaces asparagine 1219 with serine.
Molecular consequence: missense variant.
Genome position (GRCh38, 1-based): chr17:61,982,347, T>C on the plus strand (A>G on the coding strand, the complement: MED13 is on the minus strand). VCF-style: chr17-61982347-T-C. GRCh37 (hg19) VCF-style: chr17-60059708-T-C.
Other names: short protein forms N1219S.
Identifiers: ClinVar variation 3371617 (VCV003371617.1).

ClinVar aggregate classification (germline): Uncertain significance (1 of 4 stars; one submission).

Submission:

GeneDx
Classification: Uncertain significance. Last evaluated: 2024-03-26. Review status: criteria provided, single submitter. Criteria: GeneDx Variant Classification Process June 2021. Collection method: clinical testing. Allele origin: germline. Affected: yes.
Comment: Not observed at significant frequency in large population cohorts (gnomAD); In silico analysis supports that this missense variant does not alter protein structure/function; Has not been previously published as pathogenic or benign to our knowledge